The following is an entry in ClinVar:

NM_182914.3(SYNE2):c.13156C>T (p.Gln4386Ter)

Gene: SYNE2 (spectrin repeat containing nuclear envelope protein 2; plus strand). Cytogenetic location: 14q23.2.
Variant type: single nucleotide variant.
Coding change: c.13156C>T on transcript NM_182914.3 (MANE Select); coding-DNA position 13156, C replaced by T.
Protein change: p.Gln4386Ter; replaces glutamine 4386 with a stop codon.
Molecular consequence: nonsense.
Genome position (GRCh38, 1-based): chr14:64,121,059, C>T. VCF-style: chr14-64121059-C-T. GRCh37 (hg19) VCF-style: chr14-64587777-C-T.
Other names: c.13156C>T, p.Gln4386Ter (NM_015180.6); short protein forms Q4386*.
Identifiers: ClinVar variation 2502834 (VCV002502834.3), dbSNP rs140277551, ClinGen allele CA389962177.

ClinVar aggregate classification (germline): Conflicting classifications of pathogenicity. Review status: criteria provided, conflicting classifications (1 of 4 stars). 2 submissions from 2 submitters: Likely pathogenic (1); Uncertain significance (1). Last evaluated 2024-02-16.

Conditions:
Emery-Dreifuss muscular dystrophy 5, autosomal dominant (EDMD5). Also called: EMERY-DREIFUSS MUSCULAR DYSTROPHY 5. Identifiers: Orphanet 261, MedGen C2751805, MONDO:0013072, OMIM 612999.

Submissions (2):

Labcorp Genetics (formerly Invitae), Labcorp
Classification: Uncertain significance for Emery-Dreifuss muscular dystrophy 5, autosomal dominant. Last evaluated: 2024-02-16. Review status: criteria provided, single submitter. Criteria: Invitae Variant Classification Sherloc (09022015). Collection method: clinical testing. Allele origin: germline.
Comment: This sequence change creates a premature translational stop signal (p.Gln4386*) in the SYNE2 gene. It is expected to result in an absent or disrupted protein product. However, the current clinical and genetic evidence is not sufficient to establish whether loss-of-function variants in SYNE2 cause disease. This variant is not present in population databases (gnomAD no frequency). This variant has not been reported in the literature in individuals affected with SYNE2-related conditions. ClinVar contains an entry for this variant (Variation ID: 2502834). Algorithms developed to predict the effect of sequence changes on RNA splicing suggest that this variant may disrupt the consensus splice site. In summary, the available evidence is currently insufficient to determine the role of this variant in disease. Therefore, it has been classified as a Variant of Uncertain Significance.

Lifecell International Pvt. Ltd
Classification: Likely pathogenic for Emery-Dreifuss muscular dystrophy 5, autosomal dominant. Review status: criteria provided, single submitter. Criteria: ACMG Guidelines, 2015. Collection method: clinical testing. Allele origin: germline. Inheritance: Autosomal dominant inheritance. Affected: yes. Observed: 1 heterozygote.
Comment: A Heterozygous Nonsense variant c.13156C>T (p.Gln4386*) in Exon 68 of the SYNE2 gene was identified. This variant is predicted to cause loss of normal protein function through protein truncation. The observed variant has a maximum allele frequency of 0.00% in gnomAD exomes and genomes, respectively. The severity of the impact of this variant on the protein is high, based on the effect of the protein and REVEL score . Rare Exome Variant Ensemble Learner (REVEL) is an ensembl method for predicting the pathogenicity of missense variants based on a combination of scores from 13 individual tools: MutPred, FATHMM v2.3, VEST 3.0, PolyPhen-2, SIFT, PROVEAN, MutationAssessor, MutationTaster, LRT, GERP++, SiPhy, phyloP, and phastCons. The REVEL score for an individual missense variant can range from 0 to 1, with higher scores reflecting greater likelihood that the variant is disease-causing. Based on the above evidence this variant has been classified as Likely Pathogenic according to the ACMG guidelines.